The following is an entry in ClinVar:

NM_003072.5(SMARCA4):c.4279A>G (p.Ser1427Gly)

Gene: SMARCA4 (SWI/SNF related BAF chromatin remodeling complex subunit ATPase 4; plus strand). Cytogenetic location: 19p13.2.
Variant type: single nucleotide variant.
Coding change: c.4279A>G on transcript NM_003072.5 (MANE Select); coding-DNA position 4279, A replaced by G.
Protein change: p.Ser1427Gly; replaces serine 1427 with glycine.
Molecular consequence: missense variant. On other transcripts: non-coding transcript variant (1).
Genome position (GRCh38, 1-based): chr19:11,041,415, A>G. VCF-style: chr19-11041415-A-G. GRCh37 (hg19) VCF-style: chr19-11152091-A-G.
Other names: c.4279A>G, p.Ser1427Gly (NM_001128844.3); c.4189A>G, p.Ser1397Gly (NM_001128845.2, NM_001128846.2); c.4180A>G, p.Ser1394Gly (NM_001128847.4, NM_001128848.2, NM_001374457.1); c.4375A>G, p.Ser1459Gly (NM_001128849.3, NM_001387283.1); c.4276A>G, p.Ser1426Gly (NM_001411150.1); short protein forms S1459G, S1394G, S1426G, S1427G, S1397G.
Identifiers: ClinVar variation 4739960 (VCV004739960.1).
Genomic context (GRCh38, chr19:11,041,415, plus strand): 5'-AAGAAATCATCACGGAAGCGCAAGCGAGACAGCGACGCCGGCTCCTCCACCCCGACCACC[A>G]GCACCCGCAGCCGCGACAAGGACGACGAGAGCAAGAAGCAGAAGAAGCGCGGGCGGCCGC-3'
Protein context (NP_003063.2, residues 1417-1437): SDAGSSTPTT[Ser1427Gly]TRSRDKDDES

ClinVar aggregate classification (germline): Uncertain significance (1 of 4 stars; one submission).

Conditions:
Rhabdoid tumor predisposition syndrome 2 (RTPS2). Identifiers: Orphanet 231108, Orphanet 69077, MedGen C2750074, MONDO:0013224, OMIM 613325.

Submission:

Labcorp Genetics (formerly Invitae), Labcorp
Classification: Uncertain significance for Rhabdoid tumor predisposition syndrome 2. Last evaluated: 2025-04-08. Review status: criteria provided, single submitter. Criteria: Invitae Variant Classification Sherloc (09022015). Collection method: clinical testing. Allele origin: germline.
Comment: This sequence change replaces serine, which is neutral and polar, with glycine, which is neutral and non-polar, at codon 1459 of the SMARCA4 protein (p.Ser1459Gly). This variant is not present in population databases (gnomAD no frequency). This variant has not been reported in the literature in individuals affected with SMARCA4-related conditions. An algorithm developed to predict the effect of missense changes on protein structure and function (PolyPhen-2) suggests that this variant is likely to be tolerated. In summary, the available evidence is currently insufficient to determine the role of this variant in disease. Therefore, it has been classified as a Variant of Uncertain Significance.